The following is an entry in ClinVar:

ClinVar aggregate classification (germline): Likely benign. Review status: criteria provided, multiple submitters, no conflicts (2 of 4 stars). 3 submissions from 3 submitters: Likely benign (3). Last evaluated 2025-03-04.

Submissions (3):

Center for Genomic Medicine, Rigshospitalet, Copenhagen University Hospital
Classification: Likely benign. Last evaluated: 2025-03-04. Review status: criteria provided, single submitter. Criteria: ACMG Guidelines, 2015. Collection method: clinical testing. Allele origin: germline.

Labcorp Genetics (formerly Invitae), Labcorp
Classification: Likely benign. Last evaluated: 2025-02-19. Review status: criteria provided, single submitter. Criteria: Invitae Variant Classification Sherloc (09022015). Collection method: clinical testing. Allele origin: germline.

GeneDx
Classification: Likely benign. Last evaluated: 2017-07-13. Review status: criteria provided, single submitter. Criteria: GeneDx Variant Classification (06012015). Collection method: clinical testing. Allele origin: germline. Affected: yes.
Comment: This variant is considered likely benign or benign based on one or more of the following criteria: it is a conservative change, it occurs at a poorly conserved position in the protein, it is predicted to be benign by multiple in silico algorithms, and/or has population frequency not consistent with disease.

NM_006231.4(POLE):c.6747+11_6747+14del

Gene: POLE (DNA polymerase epsilon, catalytic subunit; minus strand). Cytogenetic location: 12q24.33.
Variant type: Deletion.
Coding change: c.6747+11_6747+14del on transcript NM_006231.4 (MANE Select); bases 11 to 14 of the intron after coding-DNA position 6747, 4 bases deleted (CCTC; older notation c.6747+11_6747+14delCCTC).
Molecular consequence: intron variant.
Genome position (GRCh38, 1-based): chr12:132,624,891-132,624,894, GAGG deleted on the plus strand (CCTC on the coding strand, the reverse complement: POLE is on the minus strand); deleting any 4 consecutive bases within chr12:132,624,891-132,624,897 gives the same sequence; the c. name uses the placement nearest the transcript's 3' end. VCF-style (leftmost placement, unchanged base first): chr12-132624890-TGAGG-T. GRCh37 (hg19) VCF-style: chr12-133201476-TGAGG-T.
Other names: c.6747+11_6747+14delCCTC (NM_006231.4, NM_006231.2).
Identifiers: ClinVar variation 517943 (VCV000517943.10), dbSNP rs1555300789, ClinGen allele CA658798008.